The following is an entry in ClinVar:

ClinVar aggregate classification (germline): Pathogenic. Review status: criteria provided, multiple submitters, no conflicts (2 of 4 stars). 8 submissions from 8 submitters: Pathogenic (7). 1 of the submissions does not count toward it. Last evaluated 2025-12-18.

Conditions:
Autosomal recessive spastic paraplegia type 76. Identifiers: Orphanet 488594, MedGen C5567483, MONDO:0014827, OMIM 616907.
CAPN1-related disorder. Also called: CAPN1-related condition.

Allele frequency attached by ClinVar (database versions not stated): gnomAD 0.00003; ExAC 0.00004; TOPMed 0.00005; gnomAD exomes 0.00006 and 0.00007; ESP Exome Variant Server 0.00017.

Submissions (8):

Labcorp Genetics (formerly Invitae), Labcorp
Classification: Pathogenic. Last evaluated: 2025-12-18. Review status: criteria provided, single submitter. Criteria: Invitae Variant Classification Sherloc (09022015). Collection method: clinical testing. Allele origin: germline.
Comment: This sequence change creates a premature translational stop signal (p.Gly208Glnfs*7) in the CAPN1 gene. It is expected to result in an absent or disrupted protein product. Loss-of-function variants in CAPN1 are known to be pathogenic (PMID: 27153400, 27320912). This variant is present in population databases (rs778722037, gnomAD 0.02%). This premature translational stop signal has been observed in individual(s) with hereditary spastic paraplegia (PMID: 30198554). In at least one individual the data is consistent with being in trans (on the opposite chromosome) from a pathogenic variant. ClinVar contains an entry for this variant (Variation ID: 802686). For these reasons, this variant has been classified as Pathogenic.

Women's Health and Genetics/Laboratory Corporation of America, LabCorp
Classification: Pathogenic for Autosomal recessive spastic paraplegia type 76. Last evaluated: 2024-07-09. Review status: criteria provided, single submitter. Criteria: LabCorp Variant Classification Summary - May 2015. Collection method: clinical testing. Allele origin: germline.
Comment: Variant summary: CAPN1 c.618_619delAG (p.Gly208GlnfsX7) results in a premature termination codon, predicted to cause a truncation of the encoded protein or absence of the protein due to nonsense mediated decay, which are commonly known mechanisms for disease. The variant allele was found at a frequency of 5.6e-05 in 248254 control chromosomes. This frequency is not significantly higher than estimated for a pathogenic variant in CAPN1 causing Autosomal Recessive Spastic Paraplegia Type 76, allowing no conclusion about variant significance. c.618_619delAG has been reported in the literature in at least one compound heterozygous individual affected with Autosomal Recessive Spastic Paraplegia Type 76 (e.g. Melo_2018). To our knowledge, no experimental evidence demonstrating an impact on protein function has been reported. The following publication has been ascertained in the context of this evaluation (PMID: 30198554). ClinVar contains an entry for this variant (Variation ID: 802686). Based on the evidence outlined above, the variant was classified as pathogenic.

Laboratorio de Genetica e Diagnostico Molecular, Hospital Israelita Albert Einstein
Classification: Pathogenic for Autosomal recessive spastic paraplegia type 76. Last evaluated: 2021-06-08. Review status: criteria provided, single submitter. Criteria: ACMG Guidelines, 2015. Collection method: clinical testing. Allele origin: germline. Affected: yes.
Comment: ACMG classification criteria: PVS1 very strong, PS4 supporting, PM2 moderate, PM3 moderate

CeGaT Center for Human Genetics Tuebingen
Classification: Pathogenic. Last evaluated: 2020-11-01. Review status: criteria provided, single submitter. Criteria: CeGaT Center For Human Genetics Tuebingen Variant Classification Criteria Version 2. Collection method: clinical testing. Allele origin: germline. Affected: yes. Observed: 1 variant allele.

Mendelics
Classification: Pathogenic for Autosomal recessive spastic paraplegia type 76. Last evaluated: 2019-05-28. Review status: criteria provided, single submitter. Criteria: Mendelics Assertion Criteria 2017. Collection method: clinical testing. Allele origin: unknown.

GeneDx
Classification: Pathogenic. Last evaluated: 2019-02-06. Review status: criteria provided, single submitter. Criteria: GeneDx Variant Classification (06012015). Collection method: clinical testing. Allele origin: germline. Affected: yes.
Comment: The c.618_619delAG variant in the CAPN1 gene has been reported previously in an individual with hereditary spastic paraplegia and ataxia who had an additional CAPN1 disease-causing variant, although segregation analysis was not completed to confirm the phase of these two variants (Melo et al., 2018). The c.618_619delAG variant causes a frameshift starting with codon Glycine 208, changes this amino acid to a Glutamine residue, and creates a premature Stop codon at position 7 of the new reading frame, denoted p.Gly208GlnfsX7. This variant is predicted to cause loss of normal protein function either through protein truncation or nonsense-mediated mRNA decay. The c.618_619delAG variant is observed in 8/33524 (0.024%) alleles from individuals of Latino background in large population cohorts (Lek et al., 2016). We interpret c.618_619delAG as a pathogenic variant.

Paris Brain Institute, Inserm - ICM
Classification: Pathogenic for Autosomal recessive spastic paraplegia type 76. Review status: criteria provided, single submitter. Criteria: ACMG Guidelines, 2015. Collection method: clinical testing. Allele origin: unknown. Affected: yes. Observed: 2 variant alleles.

PreventionGenetics, part of Exact Sciences
Classification: Pathogenic for CAPN1-related condition. Last evaluated: 2024-06-25. Review status: no assertion criteria provided. Collection method: clinical testing. Allele origin: germline. Not counted in ClinVar's aggregate classification.
Comment: The CAPN1 c.618_619delAG variant is predicted to result in a frameshift and premature protein termination (p.Gly208Glnfs*7). This variant has been reported in the compound heterozygous and homozygous states, in individuals with spastic paraplegia 76 (Melo et al 2018. PubMed ID: 30198554; D'Amore et al. 2018. PubMed ID: 30564185; Ngo et al. 2020. PubMed ID: 31692161). This variant is reported in 0.023% of alleles in individuals of Latino descent in gnomAD. Frameshift variants in CAPN1 are expected to be pathogenic. This variant is interpreted as pathogenic.

Literature cited by the submitters: PubMed 27153400 (cited by Labcorp Genetics (formerly Invitae), Labcorp); PubMed 27320912 (cited by Labcorp Genetics (formerly Invitae), Labcorp); PubMed 30198554 (cited by Labcorp Genetics (formerly Invitae), Labcorp and Women's Health and Genetics/Laboratory Corporation of America, LabCorp); PubMed 33486633 (cited by Paris Brain Institute, Inserm - ICM).

NM_005186.4(CAPN1):c.618_619del (p.Gly208fs)

Gene: CAPN1 (calpain 1; plus strand). Cytogenetic location: 11q13.1.
Variant type: Deletion.
Coding change: c.618_619del on transcript NM_005186.4 (MANE Select); coding-DNA positions 618 to 619, 2 bases deleted (AG; older notation c.618_619delAG).
Protein change: p.Gly208fs; shifts the reading frame from glycine 208.
Molecular consequence: frameshift variant. On other transcripts: non-coding transcript variant (1).
Genome position (GRCh38, 1-based): chr11:65,186,197-65,186,198, AG deleted. VCF-style (leftmost placement, unchanged base first): chr11-65186196-CAG-C. GRCh37 (hg19) VCF-style: chr11-64953667-CAG-C.
Other names: c.618_619del, p.Gly208fs (NM_001198868.2, NM_001198869.2); c.618_619del (NM_001198868.1); c.618_619delAG (NM_005186.4); short protein forms G208fs.
Identifiers: ClinVar variation 802686 (VCV000802686.51), dbSNP rs778722037, ClinGen allele CA6093142.